The following is an entry in ClinVar:

ClinVar aggregate classification (germline): Uncertain significance. Review status: criteria provided, multiple submitters, no conflicts (2 of 4 stars). 2 submissions from 2 submitters: Uncertain significance (2). Last evaluated 2025-12-09.

Conditions:
Inborn genetic diseases. Identifiers: MedGen C0950123, MeSH D030342.

Submissions (2):

Ambry Genetics
Classification: Uncertain significance for Inborn genetic diseases. Last evaluated: 2025-12-09. Review status: criteria provided, single submitter. Criteria: Ambry Variant Classification Scheme 2023. Collection method: clinical testing. Allele origin: germline.

Labcorp Genetics (formerly Invitae), Labcorp
Classification: Uncertain significance. Last evaluated: 2021-12-07. Review status: criteria provided, single submitter. Criteria: Invitae Variant Classification Sherloc (09022015). Collection method: clinical testing. Allele origin: germline.
Comment: This sequence change replaces isoleucine, which is neutral and non-polar, with valine, which is neutral and non-polar, at codon 1348 of the POLR3A protein (p.Ile1348Val). This variant is not present in population databases (gnomAD no frequency). This variant has not been reported in the literature in individuals affected with POLR3A-related conditions. Algorithms developed to predict the effect of missense changes on protein structure and function are either unavailable or do not agree on the potential impact of this missense change (SIFT: "Deleterious"; PolyPhen-2: "Probably Damaging"; Align-GVGD: "Class C0"). In summary, the available evidence is currently insufficient to determine the role of this variant in disease. Therefore, it has been classified as a Variant of Uncertain Significance.

NM_007055.4(POLR3A):c.4042A>G (p.Ile1348Val)

Gene: POLR3A (RNA polymerase III subunit A; minus strand). Cytogenetic location: 10q22.3.
Variant type: single nucleotide variant.
Coding change: c.4042A>G on transcript NM_007055.4 (MANE Select); coding-DNA position 4042, A replaced by G.
Protein change: p.Ile1348Val; replaces isoleucine 1348 with valine.
Molecular consequence: missense variant.
Genome position (GRCh38, 1-based): chr10:77,977,609, T>C on the plus strand (A>G on the coding strand, the complement: POLR3A is on the minus strand). VCF-style: chr10-77977609-T-C. GRCh37 (hg19) VCF-style: chr10-79737367-T-C.
Other names: c.4042A>G (NM_007055.3); short protein forms I1348V.
Identifiers: ClinVar variation 2036116 (VCV002036116.5), dbSNP rs1847102012, ClinGen allele CA377325871.